The following is an entry in ClinVar:

ClinVar aggregate classification (germline): Uncertain significance (1 of 4 stars; one submission).

Allele frequency attached by ClinVar (database versions not stated): gnomAD exomes below 0.00001; gnomAD 0.00001.
gnomAD v4.1: 3 of 1,234,226 alleles (0.00024%); highest among the groups gnomAD compares: Non-Finnish European, 0.0003%; no homozygotes.

Submission:

CeGaT Center for Human Genetics Tuebingen
Classification: Uncertain significance. Last evaluated: 2023-07-01. Review status: criteria provided, single submitter. Criteria: CeGaT Center For Human Genetics Tuebingen Variant Classification Criteria Version 2. Collection method: clinical testing. Allele origin: germline. Affected: yes. Observed: 1 variant allele.
Comment: ARHGEF18: PM2:Supporting

NM_001367823.1(ARHGEF18):c.583G>A (p.Val195Met)

Gene: ARHGEF18 (Rho/Rac guanine nucleotide exchange factor 18; plus strand). Cytogenetic location: 19p13.2.
Variant type: single nucleotide variant.
Coding change: c.583G>A on transcript NM_001367823.1 (MANE Select); coding-DNA position 583, G replaced by A.
Protein change: p.Val195Met; replaces valine 195 with methionine.
Molecular consequence: missense variant.
Genome position (GRCh38, 1-based): chr19:7,378,435, G>A. VCF-style: chr19-7378435-G-A. GRCh37 (hg19) VCF-style: chr19-7443321-G-A.
Other names: short protein forms V195M.
Identifiers: ClinVar variation 2649156 (VCV002649156.24), dbSNP rs1173243457, ClinGen allele CA403163991.